The following is an entry in ClinVar:

ClinVar aggregate classification (germline): Benign/Likely benign. Review status: criteria provided, multiple submitters, no conflicts (2 of 4 stars). 3 submissions from 3 submitters: Benign (1); Likely benign (2). Last evaluated 2019-04-16.

Conditions:
Isolated microphthalmia 3 (MCOPS16). Also called: MICROPHTHALMIA, SYNDROMIC 16. Identifiers: Orphanet 2542, MedGen C5774181, MONDO:0012604, OMIM 611038.

Allele frequency attached by ClinVar (database versions not stated): 1000 Genomes Project 0.19908; 1000 Genomes Project 30x 0.20144; TOPMed 0.22960; gnomAD 0.22961.
gnomAD v4.1: 140,504 of 545,982 alleles (26%); highest among the groups gnomAD compares: Non-Finnish European, 29%; 19,350 homozygotes.

Submissions (3):

GeneDx
Classification: Benign. Last evaluated: 2019-04-16. Review status: criteria provided, single submitter. Criteria: GeneDx Variant Classification Process June 2021. Collection method: clinical testing. Allele origin: germline. Affected: yes.

Illumina Laboratory Services, Illumina
Classification: Likely benign for Isolated microphthalmia 3. Last evaluated: 2017-04-27. Review status: criteria provided, single submitter. Criteria: ICSL Variant Classification Criteria 13 December 2019. Collection method: clinical testing. Allele origin: germline.
Comment: This variant was observed as part of a predisposition screen in an ostensibly healthy population. A literature search was performed for the gene, cDNA change, and amino acid change (where applicable). No publications were found based on this search. Allele frequency data from public databases allowed determination this variant is unlikely to cause disease. Therefore, this variant is classified as likely benign.

Breakthrough Genomics
Classification: Likely benign. Review status: criteria provided, single submitter. Criteria: ACMG Guidelines, 2015. Collection method: not provided. Allele origin: germline. Inheritance: Autosomal recessive inheritance. Affected: yes.

NM_013435.3(RAX):c.*291C>T

Gene: RAX (retina and anterior neural fold homeobox; minus strand). Cytogenetic location: 18q21.32.
Variant type: single nucleotide variant.
Coding change: c.*291C>T on transcript NM_013435.3 (MANE Select); 291 bases downstream of the stop codon, C replaced by T.
Molecular consequence: 3 prime UTR variant.
Genome position (GRCh38, 1-based): chr18:59,268,713, G>A on the plus strand (C>T on the coding strand, the complement: RAX is on the minus strand). VCF-style: chr18-59268713-G-A. GRCh37 (hg19) VCF-style: chr18-56935945-G-A.
Identifiers: ClinVar variation 327527 (VCV000327527.9), dbSNP rs3744892, ClinGen allele CA10641914.